The following is an entry in ClinVar:

ClinVar aggregate classification (germline): Uncertain significance. Review status: criteria provided, multiple submitters, no conflicts (2 of 4 stars). 2 submissions from 2 submitters: Uncertain significance (2). Last evaluated 2022-10-24.

Conditions:
Inborn genetic diseases. Identifiers: MedGen C0950123, MeSH D030342.

Allele frequency attached by ClinVar (database versions not stated): ExAC 0.00007; ESP Exome Variant Server 0.00008; gnomAD exomes 0.00009; 1000 Genomes Project 30x 0.00016; 1000 Genomes Project 0.00020; gnomAD 0.00037; TOPMed 0.00074.
gnomAD v4.1: 273 of 1,613,158 alleles (0.017%); highest among the groups gnomAD compares: Admixed American, 0.1%; no homozygotes.

Submissions (2):

Labcorp Genetics (formerly Invitae), Labcorp
Classification: Uncertain significance. Last evaluated: 2022-10-24. Review status: criteria provided, single submitter. Criteria: Invitae Variant Classification Sherloc (09022015). Collection method: clinical testing. Allele origin: germline.
Comment: This sequence change replaces arginine, which is basic and polar, with glutamine, which is neutral and polar, at codon 271 of the RSPRY1 protein (p.Arg271Gln). This variant is present in population databases (rs375513384, gnomAD 0.01%). This variant has not been reported in the literature in individuals affected with RSPRY1-related conditions. ClinVar contains an entry for this variant (Variation ID: 1021229). Advanced modeling of protein sequence and biophysical properties (such as structural, functional, and spatial information, amino acid conservation, physicochemical variation, residue mobility, and thermodynamic stability) performed at Invitae indicates that this missense variant is not expected to disrupt RSPRY1 protein function. In summary, the available evidence is currently insufficient to determine the role of this variant in disease. Therefore, it has been classified as a Variant of Uncertain Significance.

Ambry Genetics
Classification: Uncertain significance for Inborn genetic diseases. Last evaluated: 2021-10-06. Review status: criteria provided, single submitter. Criteria: Ambry Variant Classification Scheme 2023. Collection method: clinical testing. Allele origin: germline.

NM_133368.3(RSPRY1):c.812G>A (p.Arg271Gln)

Gene: RSPRY1 (ring finger and SPRY domain containing 1; plus strand). Cytogenetic location: 16q13.
Variant type: single nucleotide variant.
Coding change: c.812G>A on transcript NM_133368.3 (MANE Select); coding-DNA position 812, G replaced by A.
Protein change: p.Arg271Gln; replaces arginine 271 with glutamine.
Molecular consequence: missense variant.
Genome position (GRCh38, 1-based): chr16:57,216,946, G>A. VCF-style: chr16-57216946-G-A. GRCh37 (hg19) VCF-style: chr16-57250858-G-A.
Other names: c.812G>A, p.Arg271Gln (NM_001305163.2, NM_001305164.2); c.812G>A (NM_133368.1); short protein forms R271Q.
Identifiers: ClinVar variation 1021229 (VCV001021229.5), dbSNP rs375513384, ClinGen allele CA8074577.